The following is an entry in ClinVar:

ClinVar aggregate classification (germline): Uncertain significance. Review status: criteria provided, multiple submitters, no conflicts (2 of 4 stars). 2 submissions from 2 submitters: Uncertain significance (2). Last evaluated 2022-07-13.

Conditions:
Inborn genetic diseases. Identifiers: MedGen C0950123, MeSH D030342.

Submissions (2):

Labcorp Genetics (formerly Invitae), Labcorp
Classification: Uncertain significance. Last evaluated: 2022-07-13. Review status: criteria provided, single submitter. Criteria: Invitae Variant Classification Sherloc (09022015). Collection method: clinical testing. Allele origin: germline.
Comment: This sequence change replaces alanine, which is neutral and non-polar, with threonine, which is neutral and polar, at codon 241 of the TSFM protein (p.Ala241Thr). This variant is not present in population databases (gnomAD no frequency). This variant has not been reported in the literature in individuals affected with TSFM-related conditions. Algorithms developed to predict the effect of missense changes on protein structure and function output the following: SIFT: "Tolerated"; PolyPhen-2: "Benign"; Align-GVGD: "Class C0". The threonine amino acid residue is found in multiple mammalian species, which suggests that this missense change does not adversely affect protein function. In summary, the available evidence is currently insufficient to determine the role of this variant in disease. Therefore, it has been classified as a Variant of Uncertain Significance.

Ambry Genetics
Classification: Uncertain significance for Inborn genetic diseases. Last evaluated: 2022-01-27. Review status: criteria provided, single submitter. Criteria: Ambry Variant Classification Scheme 2023. Collection method: clinical testing. Allele origin: germline.

NM_005726.6(TSFM):c.658G>A (p.Ala220Thr)

Gene: TSFM (Ts translation elongation factor, mitochondrial; plus strand). Cytogenetic location: 12q14.1.
Variant type: single nucleotide variant.
Coding change: c.658G>A on transcript NM_005726.6 (MANE Select); coding-DNA position 658, G replaced by A.
Protein change: p.Ala220Thr; replaces alanine 220 with threonine.
Molecular consequence: missense variant. On other transcripts: 3 prime UTR variant (1), intron variant (1).
Genome position (GRCh38, 1-based): chr12:57,796,263, G>A. VCF-style: chr12-57796263-G-A. GRCh37 (hg19) VCF-style: chr12-58190046-G-A.
Other names: c.*66G>A (NM_001172695.2); c.721G>A, p.Ala241Thr (NM_001172696.2); c.571+3190G>A (NM_001172697.2); c.721G>A (NM_001172696.1); short protein forms A241T, A220T.
Identifiers: ClinVar variation 2188238 (VCV002188238.2), dbSNP rs2540965138, ClinGen allele CA385530302.